The following is an entry in ClinVar:

ClinVar aggregate classification (germline): Uncertain significance (1 of 4 stars; one submission).

Conditions:
Hereditary diffuse gastric adenocarcinoma (HDGC). Also called: DIFFUSE GASTRIC AND LOBULAR BREAST CANCER SYNDROME. Identifiers: Orphanet 26106, MedGen C1708349, MONDO:0007648, OMIM 137215.

Submission:

Labcorp Genetics (formerly Invitae), Labcorp
Classification: Uncertain significance for Hereditary diffuse gastric adenocarcinoma. Last evaluated: 2024-07-01. Review status: criteria provided, single submitter. Criteria: Invitae Variant Classification Sherloc (09022015). Collection method: clinical testing. Allele origin: germline.
Comment: This sequence change replaces valine, which is neutral and non-polar, with leucine, which is neutral and non-polar, at codon 424 of the CDH1 protein (p.Val424Leu). This variant is not present in population databases (gnomAD no frequency). This variant has not been reported in the literature in individuals affected with CDH1-related conditions. An algorithm developed to predict the effect of missense changes on protein structure and function (PolyPhen-2) suggests that this variant is likely to be tolerated. In summary, the available evidence is currently insufficient to determine the role of this variant in disease. Therefore, it has been classified as a Variant of Uncertain Significance.

NM_004360.5(CDH1):c.1270G>C (p.Val424Leu)

Gene: CDH1 (cadherin 1; plus strand). Cytogenetic location: 16q22.1.
Variant type: single nucleotide variant.
Coding change: c.1270G>C on transcript NM_004360.5 (MANE Select); coding-DNA position 1270, G replaced by C.
Protein change: p.Val424Leu; replaces valine 424 with leucine.
Molecular consequence: missense variant. On other transcripts: 5 prime UTR variant (2), intron variant (1).
Genome position (GRCh38, 1-based): chr16:68,813,445, G>C. VCF-style: chr16-68813445-G-C. GRCh37 (hg19) VCF-style: chr16-68847348-G-C.
Other names: c.-346G>C (NM_001317185.2); c.-550G>C (NM_001317186.2); c.1137+1182G>C (NM_001317184.2); short protein forms V424L.
Identifiers: ClinVar variation 3658366 (VCV003658366.2).